The following is an entry in ClinVar:

NM_001039591.3(USP9X):c.7659T>G (p.Asp2553Glu)

Gene: USP9X (ubiquitin specific peptidase 9 X-linked; plus strand). Cytogenetic location: Xp11.4.
Variant type: single nucleotide variant.
Coding change: c.7659T>G on transcript NM_001039591.3 (MANE Select); coding-DNA position 7659, T replaced by G.
Protein change: p.Asp2553Glu; replaces aspartic acid 2553 with glutamic acid.
Molecular consequence: missense variant.
Genome position (GRCh38, 1-based): chrX:41,232,518, T>G. VCF-style: chrX-41232518-T-G. GRCh37 (hg19) VCF-style: chrX-41091771-T-G.
Other names: c.7707T>G, p.Asp2569Glu (NM_001039590.3); c.7722T>G, p.Asp2574Glu (NM_001410748.1); c.7674T>G, p.Asp2558Glu (NM_001410749.1, NM_001437534.1); short protein forms D2569E, D2574E, D2553E, D2558E.
Identifiers: ClinVar variation 4991696 (VCV004991696.1).

ClinVar aggregate classification (germline): Uncertain significance (1 of 4 stars; one submission).

Conditions:
USP9X-related disorder. Also called: USP9X-related condition.

Submission:

PreventionGenetics, part of Exact Sciences
Classification: Uncertain significance for USP9X-related condition. Last evaluated: 2026-05-08. Review status: criteria provided, single submitter. Criteria: ACMG Guidelines, 2015. Collection method: clinical testing. Allele origin: germline.
Comment: The USP9X c.7707T>G variant is predicted to result in the amino acid substitution p.Asp2569Glu. To our knowledge, this variant has not been reported in the literature or in a large population database (gnomAD), indicating this variant is rare. At this time, the clinical significance of this variant is uncertain due to the absence of conclusive functional and genetic evidence.